The following is an entry in ClinVar:

NM_016204.4(GDF2):c.1063G>A (p.Glu355Lys)

Gene: GDF2 (growth differentiation factor 2; plus strand). Cytogenetic location: 10q11.22.
Variant type: single nucleotide variant.
Coding change: c.1063G>A on transcript NM_016204.4 (MANE Select); coding-DNA position 1063, G replaced by A.
Protein change: p.Glu355Lys; replaces glutamic acid 355 with lysine.
Molecular consequence: missense variant.
Genome position (GRCh38, 1-based): chr10:47,325,557, G>A. VCF-style: chr10-47325557-G-A. GRCh37 (hg19) VCF-style: chr10-48413805-C-T.
Other names: short protein forms E355K.
Identifiers: ClinVar variation 474670 (VCV000474670.2), dbSNP rs1200646207, ClinGen allele CA376657705.
Genomic context (GRCh38, chr10:47,325,557, plus strand): 5'-AACTTCGAGGACATCGGCTGGGACAGCTGGATCATTGCACCCAAGGAGTATGAAGCCTAC[G>A]AGTGTAAGGGCGGCTGCTTCTTCCCCTTGGCTGACGATGTGACGCCGACGAAACACGCTA-3'
Protein context (NP_057288.1, residues 345-365): IIAPKEYEAY[Glu355Lys]CKGGCFFPLA

ClinVar aggregate classification (germline): Uncertain significance (1 of 4 stars; one submission).

Conditions:
Telangiectasia, hereditary hemorrhagic, type 5 (HHT5). Identifiers: Orphanet 774, MedGen C3809710, MONDO:0014217, OMIM 615506.

Submission:

Labcorp Genetics (formerly Invitae), Labcorp
Classification: Uncertain significance for Telangiectasia, hereditary hemorrhagic, type 5. Last evaluated: 2021-09-01. Review status: criteria provided, single submitter. Criteria: Invitae Variant Classification Sherloc (09022015). Collection method: clinical testing. Allele origin: germline.
Comment: This sequence change replaces glutamic acid with lysine at codon 355 of the GDF2 protein (p.Glu355Lys). The glutamic acid residue is highly conserved and there is a small physicochemical difference between glutamic acid and lysine. This variant is not present in population databases (ExAC no frequency). This variant has not been reported in the literature in individuals affected with GDF2-related conditions. Algorithms developed to predict the effect of missense changes on protein structure and function (SIFT, PolyPhen-2, Align-GVGD) all suggest that this variant is likely to be disruptive. In summary, the available evidence is currently insufficient to determine the role of this variant in disease. Therefore, it has been classified as a Variant of Uncertain Significance.